The following is an entry in ClinVar:

NM_013266.4(CTNNA3):c.1711G>A (p.Val571Ile)

Gene: CTNNA3 (catenin alpha 3; minus strand). Cytogenetic location: 10q21.3.
Variant type: single nucleotide variant.
Coding change: c.1711G>A on transcript NM_013266.4 (MANE Select); coding-DNA position 1711, G replaced by A.
Protein change: p.Val571Ile; replaces valine 571 with isoleucine.
Molecular consequence: missense variant.
Genome position (GRCh38, 1-based): chr10:66,379,173, C>T on the plus strand (G>A on the coding strand, the complement: CTNNA3 is on the minus strand). VCF-style: chr10-66379173-C-T. GRCh37 (hg19) VCF-style: chr10-68138931-C-T.
Other names: c.1711G>A, p.Val571Ile (NM_001127384.3); short protein forms V571I.
Identifiers: ClinVar variation 4803743 (VCV004803743.1).

ClinVar aggregate classification (germline): Uncertain significance (1 of 4 stars; one submission).

Conditions:
Arrhythmogenic right ventricular dysplasia 13. Also called: ARRHYTHMOGENIC RIGHT VENTRICULAR CARDIOMYOPATHY 13; Arrhythmogenic right ventricular dysplasia, familial, 13. Identifiers: MedGen C3810138, MONDO:0000908, OMIM 615616.

Submission:

Labcorp Genetics (formerly Invitae), Labcorp
Classification: Uncertain significance for Arrhythmogenic right ventricular dysplasia 13. Last evaluated: 2025-09-09. Review status: criteria provided, single submitter. Criteria: Invitae Variant Classification Sherloc (09022015). Collection method: clinical testing. Allele origin: germline.
Comment: This sequence change replaces valine, which is neutral and non-polar, with isoleucine, which is neutral and non-polar, at codon 571 of the CTNNA3 protein (p.Val571Ile). This variant is not present in population databases (gnomAD no frequency). This variant has not been reported in the literature in individuals affected with CTNNA3-related conditions. Invitae Evidence Modeling of protein sequence and biophysical properties (such as structural, functional, and spatial information, amino acid conservation, physicochemical variation, residue mobility, and thermodynamic stability) indicates that this missense variant is not expected to disrupt CTNNA3 protein function with a negative predictive value of 80%. In summary, the available evidence is currently insufficient to determine the role of this variant in disease. Therefore, it has been classified as a Variant of Uncertain Significance.